The following is an entry in ClinVar:

ClinVar aggregate classification (germline): Uncertain significance (1 of 4 stars; one submission).

Submission:

Ambry Genetics
Classification: Uncertain significance. Last evaluated: 2024-07-27. Review status: criteria provided, single submitter. Criteria: Ambry Variant Classification Scheme 2023. Collection method: clinical testing. Allele origin: germline.
Comment: The p.S148T variant (also known as c.442T>A), located in coding exon 3 of the POLQ gene, results from a T to A substitution at nucleotide position 442. The serine at codon 148 is replaced by threonine, an amino acid with similar properties. This amino acid position is conserved. In addition, the in silico prediction for this alteration is inconclusive. Based on the available evidence, the clinical significance of this variant remains unclear.

NM_199420.4(POLQ):c.442T>A (p.Ser148Thr)

Gene: POLQ (DNA polymerase theta; minus strand). Cytogenetic location: 3q13.33.
Variant type: single nucleotide variant.
Coding change: c.442T>A on transcript NM_199420.4 (MANE Select); coding-DNA position 442, T replaced by A.
Protein change: p.Ser148Thr; replaces serine 148 with threonine.
Molecular consequence: missense variant.
Genome position (GRCh38, 1-based): chr3:121,541,381, A>T on the plus strand (T>A on the coding strand, the complement: POLQ is on the minus strand). VCF-style: chr3-121541381-A-T. GRCh37 (hg19) VCF-style: chr3-121260228-A-T.
Other names: short protein forms S148T.
Identifiers: ClinVar variation 3422473 (VCV003422473.1).
Genomic context (GRCh38, chr3:121,541,381, plus strand): 5'-CTATTTCAAACTTAGTAAAAAACATTACCTGGAGGTAGTATTTCTTCTCTTTAGCCACAG[A>T]AACAAAGGGAAGAATAAACAAAGCTTTCTTCCGCATTTCCAAAACCCGCTTCAAAATAAG-3'
Protein context (NP_955452.3, residues 138-158): KKALFILPFV[Ser148Thr]VAKEKKYYLQ